The following is an entry in ClinVar:

ClinVar aggregate classification (germline): Likely benign. Review status: criteria provided, single submitter (1 of 4 stars). 2 submissions from 2 submitters: Likely benign (1). 1 of the submissions does not count toward it. Last evaluated 2025-01-30.

Conditions:
SON-related disorder. Also called: SON-related condition.

Allele frequency attached by ClinVar (database versions not stated): gnomAD exomes 0.00004; ExAC 0.00013; TOPMed 0.00034; gnomAD 0.00038; 1000 Genomes Project 0.00060; 1000 Genomes Project 30x 0.00062; ESP Exome Variant Server 0.00077.
gnomAD v4.1: 111 of 1,602,596 alleles (0.0069%); highest among the groups gnomAD compares: African/African-American, 0.14%; no homozygotes.

Submissions (2):

Labcorp Genetics (formerly Invitae), Labcorp
Classification: Likely benign. Last evaluated: 2025-01-30. Review status: criteria provided, single submitter. Criteria: Invitae Variant Classification Sherloc (09022015). Collection method: clinical testing. Allele origin: germline.

PreventionGenetics, part of Exact Sciences
Classification: Likely benign for SON-related condition. Last evaluated: 2020-11-10. Review status: no assertion criteria provided. Collection method: clinical testing. Allele origin: germline. Not counted in ClinVar's aggregate classification.
Comment: This variant is classified as likely benign based on ACMG/AMP sequence variant interpretation guidelines (Richards et al. 2015 PMID: 25741868, with internal and published modifications).

NM_138927.4(SON):c.1738A>G (p.Arg580Gly)

Gene: SON (SON DNA and RNA binding protein; plus strand). Cytogenetic location: 21q22.11.
Variant type: single nucleotide variant.
Coding change: c.1738A>G on transcript NM_138927.4 (MANE Select); coding-DNA position 1738, A replaced by G.
Protein change: p.Arg580Gly; replaces arginine 580 with glycine.
Molecular consequence: missense variant. On other transcripts: non-coding transcript variant (1), intron variant (1).
Genome position (GRCh38, 1-based): chr21:33,550,969, A>G. VCF-style: chr21-33550969-A-G. GRCh37 (hg19) VCF-style: chr21-34923275-A-G.
Other names: c.1738A>G, p.Arg580Gly (NM_001291411.2, NM_001412133.1, NM_032195.3 and 2 more transcripts); c.244+4590A>G (NM_001291412.3); c.1738A>G (NM_138927.2); short protein forms R580G.
Identifiers: ClinVar variation 2158071 (VCV002158071.6), dbSNP rs149181662, ClinGen allele CA10008971.